The following is an entry in ClinVar:

ClinVar aggregate classification (germline): Uncertain significance (1 of 4 stars; one submission).

Conditions:
Primary ciliary dyskinesia. Also called: Ciliary dyskinesia. Identifiers: Orphanet 244, MedGen C0008780, MONDO:0016575, HP:0012265.

Allele frequency attached by ClinVar (database versions not stated): gnomAD exomes 0.00002; TOPMed 0.00002; gnomAD 0.00003.
gnomAD v4.1: 31 of 1,613,678 alleles (0.0019%); highest among the groups gnomAD compares: Middle Eastern, 0.066%; no homozygotes.

Submission:

Labcorp Genetics (formerly Invitae), Labcorp
Classification: Uncertain significance for Primary ciliary dyskinesia. Last evaluated: 2022-08-16. Review status: criteria provided, single submitter. Criteria: Invitae Variant Classification Sherloc (09022015). Collection method: clinical testing. Allele origin: germline.
Comment: This sequence change replaces threonine, which is neutral and polar, with asparagine, which is neutral and polar, at codon 946 of the DNAH8 protein (p.Thr946Asn). This variant is present in population databases (rs767272246, gnomAD 0.01%). This variant has not been reported in the literature in individuals affected with DNAH8-related conditions. ClinVar contains an entry for this variant (Variation ID: 1419952). Algorithms developed to predict the effect of missense changes on protein structure and function are either unavailable or do not agree on the potential impact of this missense change (SIFT: "Deleterious"; PolyPhen-2: "Not Available"; Align-GVGD: "Class C0"). In summary, the available evidence is currently insufficient to determine the role of this variant in disease. Therefore, it has been classified as a Variant of Uncertain Significance.

NM_001206927.2(DNAH8):c.2837C>A (p.Thr946Asn)

Gene: DNAH8 (dynein axonemal heavy chain 8; plus strand). Cytogenetic location: 6p21.2.
Variant type: single nucleotide variant.
Coding change: c.2837C>A on transcript NM_001206927.2 (MANE Select); coding-DNA position 2837, C replaced by A.
Protein change: p.Thr946Asn; replaces threonine 946 with asparagine.
Molecular consequence: missense variant.
Genome position (GRCh38, 1-based): chr6:38,791,610, C>A. VCF-style: chr6-38791610-C-A. GRCh37 (hg19) VCF-style: chr6-38759386-C-A.
Other names: c.2186C>A, p.Thr729Asn (NM_001371.4); short protein forms T729N, T946N.
Identifiers: ClinVar variation 1419952 (VCV001419952.3), dbSNP rs767272246, ClinGen allele CA3788642.